The following is an entry in ClinVar:

ClinVar aggregate classification (germline): Likely pathogenic. Review status: criteria provided, single submitter (1 of 4 stars). 3 submissions from 3 submitters: Likely pathogenic (1). 2 of the submissions do not count toward it. Last evaluated 2023-06-25.

Conditions:
Dilated cardiomyopathy 1G (CMD1G). Identifiers: Orphanet 154, MedGen C1858763, MONDO:0011400, OMIM 604145.
Autosomal recessive limb-girdle muscular dystrophy type 2J (LGMDR10). Also called: MUSCULAR DYSTROPHY, LIMB-GIRDLE, AUTOSOMAL RECESSIVE 10; Limb-girdle muscular dystrophy, type 2J. Identifiers: Orphanet 140922, MedGen C1837342, MONDO:0012127, OMIM 608807.

Submissions (3):

Labcorp Genetics (formerly Invitae), Labcorp
Classification: Likely pathogenic for Dilated cardiomyopathy 1G; Autosomal recessive limb-girdle muscular dystrophy type 2J. Last evaluated: 2023-06-25. Review status: criteria provided, single submitter. Criteria: Invitae Variant Classification Sherloc (09022015). Collection method: clinical testing. Allele origin: germline.
Comment: This variant is not present in population databases (gnomAD no frequency). In summary, the currently available evidence indicates that the variant is pathogenic, but additional data are needed to prove that conclusively. Therefore, this variant has been classified as Likely Pathogenic. This variant is located in the A band of TTN (PMID: 25589632). Truncating variants in this region are significantly overrepresented in patients affected with dilated cardiomyopathy (PMID: 25589632). Truncating variants in this region have also been reported in individuals affected with autosomal recessive centronuclear myopathy (PMID: 23975875). ClinVar contains an entry for this variant (Variation ID: 1285108). This variant has not been reported in the literature in individuals affected with TTN-related conditions. This sequence change creates a premature translational stop signal (p.Gln27419*) in the TTN gene. While this is not anticipated to result in nonsense mediated decay, it is expected to create a truncated TTN protein.

Diagnostic Laboratory, Department of Genetics, University Medical Center Groningen
Classification: Likely pathogenic. Review status: no assertion criteria provided. Collection method: clinical testing. Allele origin: germline. Affected: yes. Study: VKGL Data-share Consensus. Not counted in ClinVar's aggregate classification.

Genome Diagnostics Laboratory, University Medical Center Utrecht
Classification: Pathogenic. Review status: no assertion criteria provided. Collection method: clinical testing. Allele origin: germline. Affected: yes. Study: VKGL Data-share Consensus. Not counted in ClinVar's aggregate classification.

Literature cited by the submitters: PubMed 25589632 (cited by Labcorp Genetics (formerly Invitae), Labcorp); PubMed 23975875 (cited by Labcorp Genetics (formerly Invitae), Labcorp).

NM_001267550.2(TTN):c.82255C>T (p.Gln27419Ter)

Genes: TTN-AS1 (TTN antisense RNA 1; plus strand), TTN (titin; minus strand). Cytogenetic location: 2q31.2.
Variant type: single nucleotide variant.
Coding change: c.82255C>T on transcript NM_001267550.2 (MANE Select); coding-DNA position 82255, C replaced by T.
Protein change: p.Gln27419Ter; replaces glutamine 27419 with a stop codon.
Molecular consequence: nonsense.
Genome position (GRCh38, 1-based): chr2:178,563,877, G>A on the plus strand (C>T on the coding strand, the complement: TTN is on the minus strand). VCF-style: chr2-178563877-G-A. GRCh37 (hg19) VCF-style: chr2-179428604-G-A.
Other names: c.77332C>T, p.Gln25778Ter (NM_001256850.1); c.55060C>T, p.Gln18354Ter (NM_003319.4); c.74551C>T, p.Gln24851Ter (NM_133378.4); c.55435C>T, p.Gln18479Ter (NM_133432.3); c.55636C>T, p.Gln18546Ter (NM_133437.4); short protein forms Q18354*, Q18479*, Q18546*, Q24851*, Q25778*, Q27419*.
Identifiers: ClinVar variation 1285108 (VCV001285108.5), dbSNP rs2154161716, ClinGen allele CA349574571.